The following is an entry in ClinVar:

NM_000289.6(PFKM):c.799A>G (p.Ile267Val)

Gene: PFKM (phosphofructokinase, muscle; plus strand). Cytogenetic location: 12q13.11.
Variant type: single nucleotide variant.
Coding change: c.799A>G on transcript NM_000289.6 (MANE Select); coding-DNA position 799, A replaced by G.
Protein change: p.Ile267Val; replaces isoleucine 267 with valine.
Molecular consequence: missense variant. On other transcripts: non-coding transcript variant (6).
Genome position (GRCh38, 1-based): chr12:48,134,994, A>G. VCF-style: chr12-48134994-A-G. GRCh37 (hg19) VCF-style: chr12-48528777-A-G.
Other names: c.1012A>G, p.Ile338Val (NM_001166686.2, NM_001354737.1, NM_001354738.1 and 1 more transcripts); c.799A>G, p.Ile267Val (NM_001166687.2, NM_001166688.2, NM_001354742.2 and 4 more transcripts); c.1108A>G, p.Ile370Val (NM_001354735.1, NM_001354736.1); c.943A>G, p.Ile315Val (NM_001354740.1); c.823A>G, p.Ile275Val (NM_001354741.2); c.712A>G, p.Ile238Val (NM_001354745.2); c.649A>G, p.Ile217Val (NM_001354747.2, NM_001354748.2); short protein forms I238V, I370V, I275V, I217V, I267V, I315V, I338V.
Identifiers: ClinVar variation 2161124 (VCV002161124.1), dbSNP rs779395153, ClinGen allele CA6537105.

ClinVar aggregate classification (germline): Uncertain significance (1 of 4 stars; one submission).

Conditions:
Glycogen storage disease, type VII (GSD7). Also called: MUSCLE PHOSPHOFRUCTOKINASE DEFICIENCY; PFKM DEFICIENCY; TARUI DISEASE; GSD VII. Identifiers: Orphanet 371, MedGen C0017926, MONDO:0009295, OMIM 232800.

Allele frequency attached by ClinVar (database versions not stated): gnomAD 0.00001; gnomAD exomes 0.00001; TOPMed 0.00001; ExAC 0.00002.
gnomAD v4.1: 16 of 1,613,896 alleles (0.00099%); highest among the groups gnomAD compares: African/African-American, 0.0027%; no homozygotes.

Submission:

Labcorp Genetics (formerly Invitae), Labcorp
Classification: Uncertain significance for Glycogen storage disease, type VII. Last evaluated: 2022-06-29. Review status: criteria provided, single submitter. Criteria: Invitae Variant Classification Sherloc (09022015). Collection method: clinical testing. Allele origin: germline.
Comment: This sequence change replaces isoleucine, which is neutral and non-polar, with valine, which is neutral and non-polar, at codon 267 of the PFKM protein (p.Ile267Val). This variant is present in population databases (rs779395153, gnomAD 0.003%). This variant has not been reported in the literature in individuals affected with PFKM-related conditions. Algorithms developed to predict the effect of missense changes on protein structure and function (SIFT, PolyPhen-2, Align-GVGD) all suggest that this variant is likely to be tolerated. In summary, the available evidence is currently insufficient to determine the role of this variant in disease. Therefore, it has been classified as a Variant of Uncertain Significance.